The following is an entry in ClinVar:

ClinVar aggregate classification (germline): Likely benign. Review status: reviewed by expert panel (3 of 4 stars). 2 submissions from 2 submitters: Likely benign (1). 1 of the submissions does not count toward it. Last evaluated 2024-06-24.

Conditions:
Hereditary thrombocytopenia and hematologic cancer predisposition syndrome. Identifiers: Orphanet 71290, MedGen CN281654, MONDO:0011071.
Hereditary thrombocytopenia and hematological cancer predisposition syndrome associated with RUNX1. Also called: PLATELET DISORDER, ASPIRIN-LIKE; RUNX1 Familial Platelet Disorder with Associated Myeloid Malignancies; Familial Platelet Disorder with Propensity to Acute Myelogenous Leukemia; Familial thrombocytopenia with propensity to acute myelogenous leukemia. Identifiers: Orphanet 71290, MedGen C1832388, MeSH C563324, MONDO:0100083, OMIM 601399.

Submissions (2):

ClinGen Myeloid Malignancy Variant Curation Expert Panel
Classification: Likely benign for Hereditary thrombocytopenia and hematologic cancer predisposition syndrome. Last evaluated: 2024-06-24. Review status: reviewed by expert panel. Criteria: ClinGen MyeloMalig ACMG Specifications v2. Collection method: curation. Allele origin: germline. Inheritance: Autosomal dominant inheritance.
Comment: NM_001754.5(RUNX1):c.210G>A (p.Lys70=) is a synonymous variant which is completely absent from all population databases with at least 20x coverage for RUNX1 (PM2_supporting). No splicing impact or creation of cryptic splice sites is predicted by SSF and MES, and SpliceAI predicts no impact to splicing (score: 0.00) (BP4). Evolutionary conservation prediction algorithms show the variant as the reference nucleotide in one primate and/or three mammal species (BP7). This variant was reported in ClinVar in 2021 by Invitae, but the affected status of the proband is unknown (Variation ID 1665576). In summary, this variant meets criteria to be classified as likely benign. ACMG/AMP criteria applied, as specified by the Myeloid Malignancy Variant Curation Expert Panel for RUNX1: BP4, BP7, PM2_supporting.

Labcorp Genetics (formerly Invitae), Labcorp
Classification: Likely benign for Hereditary thrombocytopenia and hematological cancer predisposition syndrome associated with RUNX1. Last evaluated: 2021-08-09. Review status: criteria provided, single submitter. Criteria: Invitae Variant Classification Sherloc (09022015). Collection method: clinical testing. Allele origin: germline. Not counted in ClinVar's aggregate classification.

NM_001754.5(RUNX1):c.210G>A (p.Lys70=)

Gene: RUNX1 (RUNX family transcription factor 1; minus strand). Cytogenetic location: 21q22.12.
Variant type: single nucleotide variant.
Coding change: c.210G>A on transcript NM_001754.5 (MANE Select); coding-DNA position 210, G replaced by A.
Protein change: p.Lys70=; no amino-acid change (lysine 70 retained).
Molecular consequence: synonymous variant.
Genome position (GRCh38, 1-based): chr21:34,886,984, C>T on the plus strand (G>A on the coding strand, the complement: RUNX1 is on the minus strand). VCF-style: chr21-34886984-C-T. GRCh37 (hg19) VCF-style: chr21-36259281-C-T.
Other names: NM_001754.5(RUNX1):c.210G>A; p.Lys70=; c.129G>A, p.Lys43= (NM_001001890.3, NM_001122607.2).
Identifiers: ClinVar variation 1665576 (VCV001665576.9), dbSNP rs2146411984, ClinGen allele CA512318917.